The following is an entry in ClinVar:

NM_001127644.2(GABRA1):c.1086T>C (p.Ile362=)

Gene: GABRA1 (gamma-aminobutyric acid type A receptor subunit alpha1; plus strand). Cytogenetic location: 5q34.
Variant type: single nucleotide variant.
Coding change: c.1086T>C on transcript NM_001127644.2 (MANE Select); coding-DNA position 1086, T replaced by C.
Protein change: p.Ile362=; no amino-acid change (isoleucine 362 retained).
Molecular consequence: synonymous variant.
Genome position (GRCh38, 1-based): chr5:161,897,137, T>C. VCF-style: chr5-161897137-T-C. GRCh37 (hg19) VCF-style: chr5-161324143-T-C.
Other names: p.I362I:ATT>ATC; c.1086T>C, p.Ile362= (NM_000806.5, NM_001127643.2, NM_001127645.2 and 1 more transcripts).
Identifiers: ClinVar variation 137413 (VCV000137413.14), dbSNP rs187648029, ClinGen allele CA290978.

ClinVar aggregate classification (germline): Benign/Likely benign. Review status: criteria provided, multiple submitters, no conflicts (2 of 4 stars). 3 submissions from 3 submitters: Benign (2); Likely benign (1). Last evaluated 2026-02-03.

Conditions:
Epilepsy, idiopathic generalized, susceptibility to, 13. Also called: EPILEPSY, JUVENILE MYOCLONIC, SUSCEPTIBILITY TO, 5. Identifiers: Orphanet 307, Orphanet 64280, MedGen C4013473, MONDO:0012627, OMIM 611136.
Epilepsy, childhood absence 4 (ECA4). Also called: EPILEPSY, CHILDHOOD ABSENCE, SUSCEPTIBILITY TO, 4. Identifiers: Orphanet 307, MedGen C1970160.
Idiopathic generalized epilepsy. Also called: Generalised epilepsy; EIG. Identifiers: MedGen C0270850, MONDO:0005579, OMIM 600669.
Inborn genetic diseases. Identifiers: MedGen C0950123, MeSH D030342.

Allele frequency attached by ClinVar (database versions not stated): gnomAD exomes 0.00001 and 0.00005; ExAC 0.00006; gnomAD 0.00017 and 0.00015; 1000 Genomes Project 30x 0.00031; 1000 Genomes Project 0.00040; ESP Exome Variant Server 0.00008; TOPMed 0.00024.
gnomAD v4.1: 51 of 1,614,032 alleles (0.0032%); highest among the groups gnomAD compares: African/African-American, 0.057%; no homozygotes.

Submissions (3):

Labcorp Genetics (formerly Invitae), Labcorp
Classification: Benign for Epilepsy, childhood absence 4; Epilepsy, idiopathic generalized, susceptibility to, 13; Idiopathic generalized epilepsy. Last evaluated: 2026-02-03. Review status: criteria provided, single submitter. Criteria: Invitae Variant Classification Sherloc (09022015). Collection method: clinical testing. Allele origin: germline.

Ambry Genetics
Classification: Likely benign for Inborn genetic diseases. Last evaluated: 2018-04-11. Review status: criteria provided, single submitter. Criteria: Ambry Variant Classification Scheme 2023. Collection method: clinical testing. Allele origin: germline.

GeneDx
Classification: Benign. Last evaluated: 2013-11-22. Review status: criteria provided, single submitter. Criteria: GeneDx Variant Classification (06012015). Collection method: clinical testing. Allele origin: germline. Affected: yes.
Comment: This variant is considered likely benign or benign based on one or more of the following criteria: it is a conservative change, it occurs at a poorly conserved position in the protein, it is predicted to be benign by multiple in silico algorithms, and/or has population frequency not consistent with disease.